The following is an entry in ClinVar:

ClinVar aggregate classification (germline): Uncertain significance. Review status: criteria provided, multiple submitters, no conflicts (2 of 4 stars). 2 submissions from 2 submitters: Uncertain significance (2). Last evaluated 2025-04-15.

Conditions:
Inborn genetic diseases. Identifiers: MedGen C0950123, MeSH D030342.

Allele frequency attached by ClinVar (database versions not stated): TOPMed 0.00002; gnomAD exomes 0.00004 and 0.00005; gnomAD 0.00004; ExAC 0.00007.
gnomAD v4.1: 84 of 1,613,932 alleles (0.0052%); highest among the groups gnomAD compares: African/African-American, 0.0067%; no homozygotes.

Submissions (2):

Ambry Genetics
Classification: Uncertain significance for Inborn genetic diseases. Last evaluated: 2025-04-15. Review status: criteria provided, single submitter. Criteria: Ambry Variant Classification Scheme 2023. Collection method: clinical testing. Allele origin: germline.

Labcorp Genetics (formerly Invitae), Labcorp
Classification: Uncertain significance. Last evaluated: 2022-08-08. Review status: criteria provided, single submitter. Criteria: Invitae Variant Classification Sherloc (09022015). Collection method: clinical testing. Allele origin: germline.
Comment: This sequence change replaces alanine, which is neutral and non-polar, with valine, which is neutral and non-polar, at codon 272 of the CUL7 protein (p.Ala272Val). This variant is present in population databases (rs772952424, gnomAD 0.008%). This variant has not been reported in the literature in individuals affected with CUL7-related conditions. ClinVar contains an entry for this variant (Variation ID: 1353841). Algorithms developed to predict the effect of missense changes on protein structure and function output the following: SIFT: "Tolerated"; PolyPhen-2: "Benign"; Align-GVGD: "Class C0". The valine amino acid residue is found in multiple mammalian species, which suggests that this missense change does not adversely affect protein function. In summary, the available evidence is currently insufficient to determine the role of this variant in disease. Therefore, it has been classified as a Variant of Uncertain Significance.

NM_014780.5(CUL7):c.815C>T (p.Ala272Val)

Gene: CUL7 (cullin 7; minus strand). Cytogenetic location: 6p21.1.
Variant type: single nucleotide variant.
Coding change: c.815C>T on transcript NM_014780.5 (MANE Select); coding-DNA position 815, C replaced by T.
Protein change: p.Ala272Val; replaces alanine 272 with valine.
Molecular consequence: missense variant.
Genome position (GRCh38, 1-based): chr6:43,051,386, G>A on the plus strand (C>T on the coding strand, the complement: CUL7 is on the minus strand). VCF-style: chr6-43051386-G-A. GRCh37 (hg19) VCF-style: chr6-43019124-G-A.
Other names: c.911C>T, p.Ala304Val (NM_001168370.2, NM_001374872.1); c.815C>T, p.Ala272Val (NM_001374873.1, NM_001374874.1); c.815C>T (NM_014780.4); short protein forms A272V, A304V.
Identifiers: ClinVar variation 1353841 (VCV001353841.4), dbSNP rs772952424, ClinGen allele CA3814294.